The following is an entry in ClinVar:

NM_000257.4(MYH7):c.5791-222G>A

Gene: MYH7 (myosin heavy chain 7; minus strand). Cytogenetic location: 14q11.2.
Variant type: single nucleotide variant.
Coding change: c.5791-222G>A on transcript NM_000257.4 (MANE Select); 222 bases into the intron before coding-DNA position 5791, G replaced by A.
Molecular consequence: intron variant.
Genome position (GRCh38, 1-based): chr14:23,413,093, C>T on the plus strand (G>A on the coding strand, the complement: MYH7 is on the minus strand). VCF-style: chr14-23413093-C-T. GRCh37 (hg19) VCF-style: chr14-23882302-C-T.
Identifiers: ClinVar variation 667671 (VCV000667671.1), dbSNP rs12882128, ClinGen allele CA16483623.

ClinVar aggregate classification (germline): Benign (1 of 4 stars; one submission).

Allele frequency attached by ClinVar (database versions not stated): 1000 Genomes Project 0.11961; 1000 Genomes Project 30x 0.12196; gnomAD 0.14313 and 0.14754; TOPMed 0.14978.

Submission:

GeneDx
Classification: Benign. Last evaluated: 2018-06-14. Review status: criteria provided, single submitter. Criteria: GeneDx Variant Classification (06012015). Collection method: clinical testing. Allele origin: germline. Affected: yes.
Comment: This variant is considered likely benign or benign based on one or more of the following criteria: it is a conservative change, it occurs at a poorly conserved position in the protein, it is predicted to be benign by multiple in silico algorithms, and/or has population frequency not consistent with disease.